The following is an entry in ClinVar:

ClinVar aggregate classification (germline): Uncertain significance. Review status: criteria provided, multiple submitters, no conflicts (2 of 4 stars). 2 submissions from 2 submitters: Uncertain significance (2). Last evaluated 2021-12-30.

Conditions:
Muscular dystrophy-dystroglycanopathy type B6 (MDDGB6). Also called: MUSCULAR DYSTROPHY-DYSTROGLYCANOPATHY (CONGENITAL WITH IMPAIRED INTELLECTUAL DEVELOPMENT), TYPE B, 6; MUSCULAR DYSTROPHY, CONGENITAL, LARGE-RELATED; MUSCULAR DYSTROPHY, CONGENITAL, TYPE 1D. Identifiers: MedGen C1837229, MONDO:0012138, OMIM 608840.

Submissions (2):

Labcorp Genetics (formerly Invitae), Labcorp
Classification: Uncertain significance for Muscular dystrophy-dystroglycanopathy type B6. Last evaluated: 2021-12-30. Review status: criteria provided, single submitter. Criteria: Invitae Variant Classification Sherloc (09022015). Collection method: clinical testing. Allele origin: germline.
Comment: This variant, c.254_259dup, results in the insertion of 2 amino acid(s) of the LARGE1 protein (p.Leu85_Ala86dup), but otherwise preserves the integrity of the reading frame. This variant is present in population databases (rs759978690, gnomAD 0.009%). This variant has not been reported in the literature in individuals affected with LARGE1-related conditions. ClinVar contains an entry for this variant (Variation ID: 851056). In summary, the available evidence is currently insufficient to determine the role of this variant in disease. Therefore, it has been classified as a Variant of Uncertain Significance.

Breakthrough Genomics
Classification: Uncertain significance. Review status: criteria provided, single submitter. Criteria: ACMG Guidelines, 2015. Collection method: not provided. Allele origin: germline. Inheritance: Autosomal dominant inheritance. Affected: yes.

NM_133642.5(LARGE1):c.254_259dup (p.Leu85_Ala86dup)

Gene: LARGE1 (LARGE xylosyl- and glucuronyltransferase 1; minus strand). Cytogenetic location: 22q12.3.
Variant type: Duplication.
Coding change: c.254_259dup on transcript NM_133642.5 (MANE Select); coding-DNA positions 254 to 259, 6 bases duplicated (TGGCCC; older notation c.254_259dupTGGCCC).
Protein change: p.Leu85_Ala86dup.
Molecular consequence: inframe insertion.
Genome position (GRCh38, 1-based): chr22:33,650,516-33,650,521, GGGCCA duplicated on the plus strand (TGGCCC on the coding strand, the reverse complement: LARGE1 is on the minus strand); duplicating any 6 consecutive bases within chr22:33,650,516-33,650,523 gives the same sequence; the c. name uses the placement nearest the transcript's 3' end. VCF-style (leftmost placement, unchanged base first): chr22-33650515-T-TGGGCCA. GRCh37 (hg19) VCF-style: chr22-34046501-T-TGGGCCA.
Other names: c.254_259dup, p.Leu85_Ala86dup (NM_001362949.2, NM_001362951.2, NM_001362953.2 and 7 more transcripts).
Identifiers: ClinVar variation 851056 (VCV000851056.6), dbSNP rs759978690, ClinGen allele CA10203105.
Genomic context (GRCh38, chr22:33,650,515, plus strand): 5'-CCCTCCTCCATGGAGTAGGTCTTGGAGTGGTTGCCTCGGCGATGGGATGGGGCTCGGCCC[T>TGGGCCA]GGGCCAGGCTGAGCTGCCTGCGGAGGGCGCGGTTCTCCTCCTCCACCTCGCGCATGCGCA-3'